The following is an entry in ClinVar:

NM_001384732.1(CPLANE1):c.8996del (p.Lys2999fs)

Gene: CPLANE1 (ciliogenesis and planar polarity effector complex subunit 1; minus strand). Cytogenetic location: 5p13.2.
Variant type: Deletion.
Coding change: c.8996del on transcript NM_001384732.1 (MANE Select); coding-DNA position 8996, one base deleted (A; older notation c.8996delA).
Protein change: p.Lys2999fs; shifts the reading frame from lysine 2999.
Molecular consequence: frameshift variant.
Genome position (GRCh38, 1-based): chr5:37,122,451, T deleted on the plus strand (A on the coding strand, the reverse complement: CPLANE1 is on the minus strand); the first of 4 consecutive T bases (chr5:37,122,451-37,122,454); deleting any one gives the same sequence. VCF-style (leftmost placement, unchanged base first): chr5-37122450-CT-C. GRCh37 (hg19) VCF-style: chr5-37122552-CT-C.
Other names: c.8834del, p.Lys2945fs (NM_023073.4); c.8834delA (NM_023073.3); short protein forms K2945fs, K2999fs.
Identifiers: ClinVar variation 473150 (VCV000473150.8), dbSNP rs1554050342, ClinGen allele CA658655860.

ClinVar aggregate classification (germline): Pathogenic (1 of 4 stars; one submission).

Submission:

Labcorp Genetics (formerly Invitae), Labcorp
Classification: Pathogenic. Last evaluated: 2017-06-26. Review status: criteria provided, single submitter. Criteria: Invitae Variant Classification Sherloc (09022015). Collection method: clinical testing. Allele origin: germline.
Comment: For these reasons, this variant has been classified as Pathogenic. Loss-of-function variants in C5orf42 are known to be pathogenic (PMID: 22425360). This variant has not been reported in the literature in individuals with C5orf42-related disease. This variant is not present in population databases (ExAC no frequency). This sequence change creates a premature translational stop signal (p.Lys2945Argfs*2) in the C5orf42 gene. It is expected to result in an absent or disrupted protein product.

Literature cited by the submitters: PubMed 22425360.